The following is an entry in ClinVar:

ClinVar aggregate classification (germline): Uncertain significance. Review status: criteria provided, multiple submitters, no conflicts (2 of 4 stars). 2 submissions from 2 submitters: Uncertain significance (2). Last evaluated 2026-07-31.

Conditions:
Juvenile polyposis syndrome (JPS). Identifiers: Orphanet 2929, MedGen C0345893, MONDO:0017380, OMIM 174900.
Familial thoracic aortic aneurysm and aortic dissection (TAAD). Also called: Thoracic aortic aneurysms and dissections. Identifiers: Orphanet 91387, MedGen C4707243, MONDO:0019625.
Hereditary cancer-predisposing syndrome. Also called: Hereditary Cancer Syndrome; Hereditary neoplastic syndrome; Neoplastic Syndromes, Hereditary; Tumor predisposition. Identifiers: Orphanet 140162, MedGen C0027672, MeSH D009386, MONDO:0015356.

Submissions (2):

Ambry Genetics
Classification: Uncertain significance for Hereditary cancer-predisposing syndrome; Familial thoracic aortic aneurysm and aortic dissection. Last evaluated: 2026-07-31. Review status: criteria provided, single submitter. Criteria: Ambry Variant Classification Scheme 2023. Collection method: clinical testing. Allele origin: germline.
Comment: The p.S187R variant (also known as c.559A>C), located in coding exon 4 of the SMAD4 gene, results from an A to C substitution at nucleotide position 559. The serine at codon 187 is replaced by arginine, an amino acid with dissimilar properties. This amino acid position is well conserved in available vertebrate species. In addition, this alteration is predicted to be deleterious by in silico analysis. Based on the available evidence, the clinical significance of this variant remains unclear.

Labcorp Genetics (formerly Invitae), Labcorp
Classification: Uncertain significance for Juvenile polyposis syndrome. Last evaluated: 2022-02-22. Review status: criteria provided, single submitter. Criteria: Invitae Variant Classification Sherloc (09022015). Collection method: clinical testing. Allele origin: germline.
Comment: In summary, the available evidence is currently insufficient to determine the role of this variant in disease. Therefore, it has been classified as a Variant of Uncertain Significance. Advanced modeling of protein sequence and biophysical properties (such as structural, functional, and spatial information, amino acid conservation, physicochemical variation, residue mobility, and thermodynamic stability) performed at Invitae indicates that this missense variant is not expected to disrupt SMAD4 protein function. This variant has not been reported in the literature in individuals affected with SMAD4-related conditions. This variant is not present in population databases (gnomAD no frequency). This sequence change replaces serine, which is neutral and polar, with arginine, which is basic and polar, at codon 187 of the SMAD4 protein (p.Ser187Arg).

NM_005359.6(SMAD4):c.559A>C (p.Ser187Arg)

Gene: SMAD4 (SMAD family member 4; plus strand). Cytogenetic location: 18q21.2.
Variant type: single nucleotide variant.
Coding change: c.559A>C on transcript NM_005359.6 (MANE Select); coding-DNA position 559, A replaced by C.
Protein change: p.Ser187Arg; replaces serine 187 with arginine.
Molecular consequence: missense variant.
Genome position (GRCh38, 1-based): chr18:51,054,885, A>C. VCF-style: chr18-51054885-A-C. GRCh37 (hg19) VCF-style: chr18-48581255-A-C.
Other names: c.559A>C, p.Ser187Arg (NM_001407041.1, NM_001407042.1, NM_001407043.1); short protein forms S187R.
Identifiers: ClinVar variation 1748523 (VCV001748523.8), dbSNP rs2144418739, ClinGen allele CA402460963.